The following is an entry in ClinVar:

NM_001364905.1(LRBA):c.4633G>C (p.Val1545Leu)

Gene: LRBA (LPS responsive beige-like anchor protein; minus strand). Cytogenetic location: 4q31.3.
Variant type: single nucleotide variant.
Coding change: c.4633G>C on transcript NM_001364905.1 (MANE Select); coding-DNA position 4633, G replaced by C.
Protein change: p.Val1545Leu; replaces valine 1545 with leucine.
Molecular consequence: missense variant.
Genome position (GRCh38, 1-based): chr4:150,831,913, C>G on the plus strand (G>C on the coding strand, the complement: LRBA is on the minus strand). VCF-style: chr4-150831913-C-G. GRCh37 (hg19) VCF-style: chr4-151753065-C-G.
Other names: c.4633G>C, p.Val1545Leu (NM_001199282.3, NM_001367550.1, NM_006726.5); short protein forms V1545L.
Identifiers: ClinVar variation 934431 (VCV000934431.9), dbSNP rs1747252328, ClinGen allele CA358446559.
Genomic context (GRCh38, chr4:150,831,913, plus strand): 5'-CTGTACATGACTGGCTATGCCTTTCATTTTGGGGTTCCAAAATGTCTCTGTACTTGGAGA[C>G]CATAAGAACAGAGATAAAGTATACTACTGCCAAGGCTAAAAATTGAGCTTGTTTGCTATC-3'
Protein context (NP_001351834.1, residues 1535-1555): AVVYFISVLM[Val1545Leu]SKYRDILEPQ

ClinVar aggregate classification (germline): Uncertain significance (1 of 4 stars; one submission).

Conditions:
Combined immunodeficiency due to LRBA deficiency. Also called: Common variable immunodeficiency 8, with autoimmunity. Identifiers: Orphanet 445018, MedGen C3553512, MONDO:0013863, OMIM 614700.

Submission:

Labcorp Genetics (formerly Invitae), Labcorp
Classification: Uncertain significance for Combined immunodeficiency due to LRBA deficiency. Last evaluated: 2024-07-29. Review status: criteria provided, single submitter. Criteria: Invitae Variant Classification Sherloc (09022015). Collection method: clinical testing. Allele origin: germline.
Comment: This sequence change replaces valine, which is neutral and non-polar, with leucine, which is neutral and non-polar, at codon 1545 of the LRBA protein (p.Val1545Leu). This variant is not present in population databases (gnomAD no frequency). This variant has not been reported in the literature in individuals affected with LRBA-related conditions. ClinVar contains an entry for this variant (Variation ID: 934431). Advanced modeling of protein sequence and biophysical properties (such as structural, functional, and spatial information, amino acid conservation, physicochemical variation, residue mobility, and thermodynamic stability) performed at Invitae indicates that this missense variant is expected to disrupt LRBA protein function with a positive predictive value of 80%. In summary, the available evidence is currently insufficient to determine the role of this variant in disease. Therefore, it has been classified as a Variant of Uncertain Significance.